The following is an entry in ClinVar:

ClinVar aggregate classification (germline): Pathogenic (0 of 4 stars; one submission).

Conditions:
Fucosidosis. Also called: ALPHA-L-FUCOSIDASE DEFICIENCY. Identifiers: Orphanet 349, MedGen C0016788, MONDO:0009254, OMIM 230000.

Submission:

Research Laboratory of Human Genome and Multifactorial Diseases, Faculty of Pharmacy, University of Monastir
Classification: Pathogenic for Fucosidosis. Review status: no assertion criteria provided. Collection method: research. Allele origin: inherited. Inheritance: Autosomal recessive inheritance. Affected: yes. Observed: 1 homozygote.

NM_000147.5(FUCA1):c.237del (p.Trp79fs)

Gene: FUCA1 (alpha-L-fucosidase 1; minus strand). Cytogenetic location: 1p36.11.
Variant type: Deletion.
Coding change: c.237del on transcript NM_000147.5 (MANE Select); coding-DNA position 237, one base deleted (G; older notation c.237delG).
Protein change: p.Trp79fs; shifts the reading frame from tryptophan 79.
Molecular consequence: frameshift variant.
Genome position (GRCh38, 1-based): chr1:23,868,050, C deleted on the plus strand (G on the coding strand, the reverse complement: FUCA1 is on the minus strand); the first of 2 consecutive C bases (chr1:23,868,050-23,868,051); deleting either gives the same sequence. VCF-style (leftmost placement, unchanged base first): chr1-23868049-GC-G. GRCh37 (hg19) VCF-style: chr1-24194539-GC-G.
Other names: short protein forms W79fs.
Identifiers: ClinVar variation 979024 (VCV000979024.3), dbSNP rs1639662557, ClinGen allele CA1139656004.